The following is an entry in ClinVar:

ClinVar aggregate classification (germline): Uncertain significance (1 of 4 stars; one submission).

Conditions:
Hereditary pancreatitis (PCTT). Also called: Hereditary chronic pancreatitis; PRSS1-Related Hereditary Pancreatitis. Identifiers: Orphanet 676, MedGen C0238339, MONDO:0008185, OMIM 167800.

Submission:

Ambry Genetics
Classification: Uncertain significance for Hereditary pancreatitis. Last evaluated: 2022-09-13. Review status: criteria provided, single submitter. Criteria: Ambry Variant Classification Scheme 2023. Collection method: clinical testing. Allele origin: germline.
Comment: The p.T239A variant (also known as c.715A>G), located in coding exon 7 of the CPA1 gene, results from an A to G substitution at nucleotide position 715. The threonine at codon 239 is replaced by alanine, an amino acid with similar properties. This amino acid position is conserved. In addition, the in silico prediction for this alteration is inconclusive. Since supporting evidence is limited at this time, the clinical significance of this alteration remains unclear.

NM_001868.4(CPA1):c.715A>G (p.Thr239Ala)

Gene: CPA1 (carboxypeptidase A1; plus strand). Cytogenetic location: 7q32.2.
Variant type: single nucleotide variant.
Coding change: c.715A>G on transcript NM_001868.4 (MANE Select); coding-DNA position 715, A replaced by G.
Protein change: p.Thr239Ala; replaces threonine 239 with alanine.
Molecular consequence: missense variant.
Genome position (GRCh38, 1-based): chr7:130,384,554, A>G. VCF-style: chr7-130384554-A-G. GRCh37 (hg19) VCF-style: chr7-130024395-A-G.
Other names: short protein forms T239A.
Identifiers: ClinVar variation 1757423 (VCV001757423.2), dbSNP rs1053878568, ClinGen allele CA166890664.
Genomic context (GRCh38, chr7:130,384,554, plus strand): 5'-TCACACGTGCCTCGGGGTGGCTGATCCCATTTCCTTCCTCAGAATCGCATGTGGCGCAAG[A>G]CTCGGTCCCACACAGCAGGCTCCCTCTGTATTGGCGTGGACCCCAACAGGAACTGGGACG-3'
Protein context (NP_001859.1, residues 229-249): THSTNRMWRK[Thr239Ala]RSHTAGSLCI